The following is an entry in ClinVar:

ClinVar aggregate classification (germline): Uncertain significance. Review status: criteria provided, multiple submitters, no conflicts (2 of 4 stars). 3 submissions from 3 submitters: Uncertain significance (3). Last evaluated 2026-01-19.

Conditions:
Hereditary cancer-predisposing syndrome. Also called: Tumor predisposition; Hereditary neoplastic syndrome; Hereditary Cancer Syndrome; Neoplastic Syndromes, Hereditary. Identifiers: Orphanet 140162, MedGen C0027672, MeSH D009386, MONDO:0015356.

Submissions (3):

Labcorp Genetics (formerly Invitae), Labcorp
Classification: Uncertain significance. Last evaluated: 2026-01-19. Review status: criteria provided, single submitter. Criteria: Invitae Variant Classification Sherloc (09022015). Collection method: clinical testing. Allele origin: germline.
Comment: This sequence change creates a premature translational stop signal (p.Pro3Argfs*123) in the HOXB13 gene. It is expected to result in an absent or disrupted protein product. However, the current clinical and genetic evidence is not sufficient to establish whether loss-of-function variants in HOXB13 cause disease. This variant is present in population databases (no rsID available, gnomAD 0.03%). This variant has not been reported in the literature in individuals affected with HOXB13-related conditions. ClinVar contains an entry for this variant (Variation ID: 937383). In summary, the available evidence is currently insufficient to determine the role of this variant in disease. Therefore, it has been classified as a Variant of Uncertain Significance.

Ambry Genetics
Classification: Uncertain significance for Hereditary cancer-predisposing syndrome. Last evaluated: 2024-12-05. Review status: criteria provided, single submitter. Criteria: Ambry Variant Classification Scheme 2023. Collection method: clinical testing. Allele origin: germline.
Comment: The c.8_9delCC variant, located in coding exon 1 of the HOXB13 gene, results from a deletion of two nucleotides at nucleotide positions 8 to 9, causing a translational frameshift with a predicted alternate stop codon (p.P3Rfs*123). This alteration is expected to result in loss of function by premature protein truncation or nonsense-mediated mRNA decay. However, loss of function of HOXB13 has not been established as a mechanism of disease. Based on the available evidence, the clinical significance of this variant remains unclear.

Quest Diagnostics Nichols Institute San Juan Capistrano
Classification: Uncertain significance. Last evaluated: 2024-01-09. Review status: criteria provided, single submitter. Criteria: Quest Diagnostics criteria. Collection method: clinical testing. Allele origin: unknown.
Comment: The HOXB13 c.8_9del (p.Pro3Argfs*123) variant alters the translational reading frame of the HOXB13 mRNA and is predicted to cause the premature termination of HOXB13 protein synthesis. However, loss of function of HOXB13 has not been clearly established as a mechanism of disease at this time. This variant has not been reported in individuals with HOXB13-related conditions in the published literature. The frequency of this variant in the general population, 0.00034 (3/8698 chromosomes in African/African American subpopulation (Genome Aggregation Database)), is higher than would generally be expected for pathogenic variants in this gene. Based on the available information, we are unable to determine the clinical significance of this variant.

NM_006361.6(HOXB13):c.8_9del (p.Pro3fs)

Gene: HOXB13 (homeobox B13; minus strand). Cytogenetic location: 17q21.32.
Variant type: Deletion.
Coding change: c.8_9del on transcript NM_006361.6 (MANE Select); coding-DNA positions 8 to 9, 2 bases deleted (CC; older notation c.8_9delCC).
Protein change: p.Pro3fs; shifts the reading frame from proline 3.
Molecular consequence: frameshift variant.
Genome position (GRCh38, 1-based): chr17:48,728,585-48,728,586, GG deleted on the plus strand (CC on the coding strand, the reverse complement: HOXB13 is on the minus strand); deleting any 2 consecutive bases within chr17:48,728,585-48,728,587 gives the same sequence; the c. name uses the placement nearest the transcript's 3' end. VCF-style (leftmost placement, unchanged base first): chr17-48728584-CGG-C. GRCh37 (hg19) VCF-style: chr17-46805946-CGG-C.
Other names: c.8_9delCC (NM_006361.5); short protein forms P3fs.
Identifiers: ClinVar variation 937383 (VCV000937383.12), dbSNP rs931621182, ClinGen allele CA291351013.